The following is an entry in ClinVar:

NM_000326.5(RLBP1):c.206T>C (p.Met69Thr)

Gene: RLBP1 (retinaldehyde binding protein 1; minus strand). Cytogenetic location: 15q26.1.
Variant type: single nucleotide variant.
Coding change: c.206T>C on transcript NM_000326.5 (MANE Select); coding-DNA position 206, T replaced by C.
Protein change: p.Met69Thr; replaces methionine 69 with threonine.
Molecular consequence: missense variant.
Genome position (GRCh38, 1-based): chr15:89,217,260, A>G on the plus strand (T>C on the coding strand, the complement: RLBP1 is on the minus strand). VCF-style: chr15-89217260-A-G. GRCh37 (hg19) VCF-style: chr15-89760491-A-G.
Other names: short protein forms M69T.
Identifiers: ClinVar variation 1418974 (VCV001418974.6), dbSNP rs747494175, ClinGen allele CA7722358.
Genomic context (GRCh38, chr15:89,217,260, plus strand): 5'-TGCACCCTCTCCGCCACGGCCACCGCCAGCTCCTCCCCCGAGGCCGCCTGCGCCTGCACC[A>G]TCTCCTGCAGCTCTCGCACTGCCTCCTCCCGGGTCTCCTCTCTCTCGTTCAGCTCATCCT-3'
Protein context (NP_000317.1, residues 59-79): REEAVRELQE[Met69Thr]VQAQAASGEE

ClinVar aggregate classification (germline): Uncertain significance. Review status: criteria provided, multiple submitters, no conflicts (2 of 4 stars). 3 submissions from 3 submitters: Uncertain significance (3). Last evaluated 2024-11-27.

Allele frequency attached by ClinVar (database versions not stated): ExAC 0.00001; gnomAD 0.00001; gnomAD exomes 0.00001; TOPMed 0.00001.
gnomAD v4.1: 8 of 1,610,912 alleles (0.0005%); highest among the groups gnomAD compares: Admixed American, 0.0017%; no homozygotes.

Submissions (3):

Dasa
Classification: Uncertain significance. Last evaluated: 2024-11-27. Review status: criteria provided, single submitter. Criteria: DASA Assertion Criteria. Collection method: clinical testing. Allele origin: germline.
Comment: NM_000326.5(RLBP1):c.206T>C (p.Met69Thr) is a missense variant that results in the substitution of methionine with threonine. This variant is rare in population databases. Computational prediction algorithms are consistent with a benign effect. The currently available literature and clinical evidence are not sufficient to establish a definitive association between this variant and the reported condition. Therefore, this variant is classified as a variant of uncertain significance.

Blueprint Genetics
Classification: Uncertain significance. Last evaluated: 2024-02-22. Review status: criteria provided, single submitter. Criteria: ACMG Guidelines, 2015. Collection method: clinical testing. Allele origin: germline.

Labcorp Genetics (formerly Invitae), Labcorp
Classification: Uncertain significance. Last evaluated: 2021-10-12. Review status: criteria provided, single submitter. Criteria: Invitae Variant Classification Sherloc (09022015). Collection method: clinical testing. Allele origin: germline.
Comment: This sequence change replaces methionine with threonine at codon 69 of the RLBP1 protein (p.Met69Thr). The methionine residue is weakly conserved and there is a moderate physicochemical difference between methionine and threonine. This variant is present in population databases (rs747494175, ExAC 0.002%). This variant has not been reported in the literature in individuals affected with RLBP1-related conditions. Algorithms developed to predict the effect of missense changes on protein structure and function are either unavailable or do not agree on the potential impact of this missense change (SIFT: "Deleterious"; PolyPhen-2: "Benign"; Align-GVGD: "Class C0"). In summary, the available evidence is currently insufficient to determine the role of this variant in disease. Therefore, it has been classified as a Variant of Uncertain Significance.